The following is an entry in ClinVar:

ClinVar aggregate classification (germline): Uncertain significance (1 of 4 stars; one submission).

Conditions:
Early-infantile DEE. Also called: Ohtahara syndrome; Early infantile epileptic encephalopathy with suppression bursts; Early infantile epileptic encephalopathy. Identifiers: Orphanet 1934, MedGen C0393706, MONDO:0800491.

Submission:

Labcorp Genetics (formerly Invitae), Labcorp
Classification: Uncertain significance for Early-infantile DEE. Last evaluated: 2022-08-24. Review status: criteria provided, single submitter. Criteria: Invitae Variant Classification Sherloc (09022015). Collection method: clinical testing. Allele origin: germline.
Comment: This sequence change falls in intron 11 of the KCNQ2 gene. It does not directly change the encoded amino acid sequence of the KCNQ2 protein. It affects a nucleotide within the consensus splice site. This variant is not present in population databases (gnomAD no frequency). This variant has not been reported in the literature in individuals affected with KCNQ2-related conditions. Variants that disrupt the consensus splice site are a relatively common cause of aberrant splicing (PMID: 17576681, 9536098). Algorithms developed to predict the effect of sequence changes on RNA splicing suggest that this variant may disrupt the consensus splice site. In summary, the available evidence is currently insufficient to determine the role of this variant in disease. Therefore, it has been classified as a Variant of Uncertain Significance.

Literature cited by the submitters: PubMed 17576681; PubMed 9536098.

NM_172107.4(KCNQ2):c.1247+5G>A

Gene: KCNQ2 (potassium voltage-gated channel subfamily Q member 2; minus strand). Cytogenetic location: 20q13.33.
Variant type: single nucleotide variant.
Coding change: c.1247+5G>A on transcript NM_172107.4 (MANE Select); 5 bases into the intron after coding-DNA position 1247, G replaced by A.
Molecular consequence: intron variant.
Genome position (GRCh38, 1-based): chr20:63,424,172, C>T on the plus strand (G>A on the coding strand, the complement: KCNQ2 is on the minus strand). VCF-style: chr20-63424172-C-T. GRCh37 (hg19) VCF-style: chr20-62055525-C-T.
Other names: c.1217+5G>A (NM_004518.6); c.1247+5G>A (NM_172108.5, NM_172106.3, NM_001382235.1).
Identifiers: ClinVar variation 2026937 (VCV002026937.4), dbSNP rs2516278356, ClinGen allele CA2580098441.